The following is an entry in ClinVar:

NM_016103.4(SAR1B):c.277A>G (p.Ile93Val)

Gene: SAR1B (secretion associated Ras related GTPase 1B; minus strand). Cytogenetic location: 5q31.1.
Variant type: single nucleotide variant.
Coding change: c.277A>G on transcript NM_016103.4 (MANE Select); coding-DNA position 277, A replaced by G.
Protein change: p.Ile93Val; replaces isoleucine 93 with valine.
Molecular consequence: missense variant.
Genome position (GRCh38, 1-based): chr5:134,609,642, T>C on the plus strand (A>G on the coding strand, the complement: SAR1B is on the minus strand). VCF-style: chr5-134609642-T-C. GRCh37 (hg19) VCF-style: chr5-133945332-T-C.
Other names: c.277A>G (NM_001033503.2); c.277A>G, p.Ile93Val (NM_001033503.3); short protein forms I93V.
Identifiers: ClinVar variation 1423917 (VCV001423917.7), dbSNP rs984158457, ClinGen allele CA127967399.

ClinVar aggregate classification (germline): Uncertain significance. Review status: criteria provided, multiple submitters, no conflicts (2 of 4 stars). 2 submissions from 2 submitters: Uncertain significance (2). Last evaluated 2025-11-12.

Conditions:
Inborn genetic diseases. Identifiers: MedGen C0950123, MeSH D030342.

Allele frequency attached by ClinVar (database versions not stated): gnomAD exomes below 0.00001 and 0.00001; gnomAD 0.00001; TOPMed 0.00002.
gnomAD v4.1: 11 of 1,614,044 alleles (0.00068%); highest among the groups gnomAD compares: African/African-American, 0.0013%; no homozygotes.

Submissions (2):

Ambry Genetics
Classification: Uncertain significance for Inborn genetic diseases. Last evaluated: 2025-11-12. Review status: criteria provided, single submitter. Criteria: Ambry Variant Classification Scheme 2023. Collection method: clinical testing. Allele origin: germline.

Labcorp Genetics (formerly Invitae), Labcorp
Classification: Uncertain significance. Last evaluated: 2021-11-20. Review status: criteria provided, single submitter. Criteria: Invitae Variant Classification Sherloc (09022015). Collection method: clinical testing. Allele origin: germline.
Comment: This sequence change replaces isoleucine, which is neutral and non-polar, with valine, which is neutral and non-polar, at codon 93 of the SAR1B protein (p.Ile93Val). This variant is present in population databases (no rsID available, gnomAD 0.0008%). This variant has not been reported in the literature in individuals affected with SAR1B-related conditions. Algorithms developed to predict the effect of missense changes on protein structure and function (SIFT, PolyPhen-2, Align-GVGD) all suggest that this variant is likely to be tolerated. In summary, the available evidence is currently insufficient to determine the role of this variant in disease. Therefore, it has been classified as a Variant of Uncertain Significance.